The following is an entry in ClinVar:

ClinVar aggregate classification (germline): Uncertain significance. Review status: criteria provided, multiple submitters, no conflicts (2 of 4 stars). 2 submissions from 2 submitters: Uncertain significance (2). Last evaluated 2025-01-13.

Conditions:
Cardiovascular phenotype. Identifiers: MedGen CN230736.
Long QT syndrome (LQTS). Identifiers: MedGen C0023976, MeSH D008133, MONDO:0002442. Disease mechanism: loss of function. Inheritance: Various modes of inheritance.

Submissions (2):

Ambry Genetics
Classification: Uncertain significance for Cardiovascular phenotype. Last evaluated: 2025-01-13. Review status: criteria provided, single submitter. Criteria: Ambry Variant Classification Scheme 2023. Collection method: clinical testing. Allele origin: germline.
Comment: The c.1375_1377delGAG variant (also known as p.E459del) is located in coding exon 9 of the CACNA1C gene. This variant results from an in-frame GAG deletion at nucleotide positions 1375 to 1377. This results in the in-frame deletion of a glutamic acid at codon 459. This amino acid position is not well conserved in available vertebrate species. In addition, the in silico prediction for this alteration is inconclusive (Choi Y et al. PLoS ONE. 2012; 7(10):e46688). Based on the available evidence, the clinical significance of this variant remains unclear.

Labcorp Genetics (formerly Invitae), Labcorp
Classification: Uncertain significance for Long QT syndrome. Last evaluated: 2023-09-03. Review status: criteria provided, single submitter. Criteria: Invitae Variant Classification Sherloc (09022015). Collection method: clinical testing. Allele origin: germline.
Comment: Experimental studies and prediction algorithms are not available or were not evaluated, and the functional significance of this variant is currently unknown. In summary, the available evidence is currently insufficient to determine the role of this variant in disease. Therefore, it has been classified as a Variant of Uncertain Significance. This variant, c.1375_1377del, results in the deletion of 1 amino acid(s) of the CACNA1C protein (p.Glu459del), but otherwise preserves the integrity of the reading frame. This variant is not present in population databases (gnomAD no frequency). This variant has not been reported in the literature in individuals affected with CACNA1C-related conditions. ClinVar contains an entry for this variant (Variation ID: 1771123).

NM_000719.7(CACNA1C):c.1372GAG[1] (p.Glu459del)

Gene: CACNA1C (calcium voltage-gated channel subunit alpha1 C; plus strand). Cytogenetic location: 12p13.33.
Variant type: Microsatellite.
Coding change: c.1372GAG[1] on transcript NM_000719.7 (MANE Select); one copy of the 3-base unit GAG starting at c.1372; the reference has two copies in a row; one copy, 3 bases deleted.
Protein change: p.Glu459del; deletes glutamic acid 459.
Molecular consequence: inframe deletion. On other transcripts: inframe indel (2).
Genome position (GRCh38, 1-based): chr12:2,512,969-2,512,971, GAG deleted; deleting any 3 consecutive bases within chr12:2,512,966-2,512,971 gives the same sequence; the position shown is the placement nearest the transcript's 3' end. VCF-style (leftmost placement, unchanged base first): chr12-2512965-TGAG-T. GRCh37 (hg19) VCF-style: chr12-2622131-TGAG-T.
Other names: c.1372_1374GAG[1], p.Glu459del (NM_000719.6); c.1372GAG[1], p.Glu459del (NM_001129827.2, NM_001129829.2, NM_001129830.3 and 18 more transcripts); c.1363GAG[1], p.Glu456del (NM_001129844.2); c.1375_1377delGAG (NM_000719.6); short protein forms E459del, E456del.
Identifiers: ClinVar variation 1771123 (VCV001771123.8), dbSNP rs2507199084, ClinGen allele CA2580615113.